The following is an entry in ClinVar:

ClinVar aggregate classification (germline): Uncertain significance (1 of 4 stars; one submission).

gnomAD v4.1: 13 of 1,614,154 alleles (0.00081%); highest among the groups gnomAD compares: Non-Finnish European, 0.0011%; no homozygotes.

Submission:

Labcorp Genetics (formerly Invitae), Labcorp
Classification: Uncertain significance. Last evaluated: 2024-05-06. Review status: criteria provided, single submitter. Criteria: Invitae Variant Classification Sherloc (09022015). Collection method: clinical testing. Allele origin: germline.
Comment: This sequence change replaces valine, which is neutral and non-polar, with glutamic acid, which is acidic and polar, at codon 349 of the C8B protein (p.Val349Glu). This variant is not present in population databases (gnomAD no frequency). This variant has not been reported in the literature in individuals affected with C8B-related conditions. An algorithm developed to predict the effect of missense changes on protein structure and function (PolyPhen-2) suggests that this variant is likely to be tolerated. In summary, the available evidence is currently insufficient to determine the role of this variant in disease. Therefore, it has been classified as a Variant of Uncertain Significance.

NM_000066.4(C8B):c.1046T>A (p.Val349Glu)

Gene: C8B (complement C8 beta chain; minus strand). Cytogenetic location: 1p32.2.
Variant type: single nucleotide variant.
Coding change: c.1046T>A on transcript NM_000066.4 (MANE Select); coding-DNA position 1046, T replaced by A.
Protein change: p.Val349Glu; replaces valine 349 with glutamic acid.
Molecular consequence: missense variant.
Genome position (GRCh38, 1-based): chr1:56,945,880, A>T on the plus strand (T>A on the coding strand, the complement: C8B is on the minus strand). VCF-style: chr1-56945880-A-T. GRCh37 (hg19) VCF-style: chr1-57411553-A-T.
Other names: c.890T>A, p.Val297Glu (NM_001278543.2); c.860T>A, p.Val287Glu (NM_001278544.2); short protein forms V349E, V287E, V297E.
Identifiers: ClinVar variation 2780813 (VCV002780813.3), dbSNP rs768844606, ClinGen allele CA340527229.